The following is an entry in ClinVar:

ClinVar aggregate classification (germline): Pathogenic (1 of 4 stars; one submission).

Allele frequency attached by ClinVar (database versions not stated): gnomAD exomes below 0.00001.
gnomAD v4.1: 1 of 1,613,982 alleles (0.000062%); highest among the groups gnomAD compares: Non-Finnish European, 0.000085%; no homozygotes.

Submission:

Labcorp Genetics (formerly Invitae), Labcorp
Classification: Pathogenic. Last evaluated: 2023-10-04. Review status: criteria provided, single submitter. Criteria: Invitae Variant Classification Sherloc (09022015). Collection method: clinical testing. Allele origin: germline.
Comment: This sequence change creates a premature translational stop signal (p.Trp1302*) in the USH2A gene. It is expected to result in an absent or disrupted protein product. Loss-of-function variants in USH2A are known to be pathogenic (PMID: 10729113, 10909849, 20507924, 25649381). This variant is not present in population databases (gnomAD no frequency). This variant has not been reported in the literature in individuals affected with USH2A-related conditions. Algorithms developed to predict the effect of sequence changes on RNA splicing suggest that this variant may disrupt the consensus splice site. For these reasons, this variant has been classified as Pathogenic.

Literature cited by the submitters: PubMed 10729113; PubMed 10909849; PubMed 20507924; PubMed 25649381.

NM_206933.4(USH2A):c.3905G>A (p.Trp1302Ter)

Genes: USH2A (usherin; minus strand), USH2A-AS1 (USH2A antisense RNA 1; plus strand). Cytogenetic location: 1q41.
Variant type: single nucleotide variant.
Coding change: c.3905G>A on transcript NM_206933.4 (MANE Select); coding-DNA position 3905, G replaced by A.
Protein change: p.Trp1302Ter; replaces tryptophan 1302 with a stop codon.
Molecular consequence: nonsense.
Genome position (GRCh38, 1-based): chr1:216,198,491, C>T on the plus strand (G>A on the coding strand, the complement: USH2A is on the minus strand). VCF-style: chr1-216198491-C-T. GRCh37 (hg19) VCF-style: chr1-216371833-C-T.
Other names: c.3905G>A, p.Trp1302Ter (NM_007123.6); short protein forms W1302*.
Identifiers: ClinVar variation 2839314 (VCV002839314.3), dbSNP rs2528041770, ClinGen allele CA344867218.
Genomic context (GRCh38, chr1:216,198,491, plus strand): 5'-GTTTGAGGAGGTTTTAATGCATTTTCATTGGCCGATTCTACAAATGAATGAGGACTGAGC[C>T]AACCACTGCTCTGAAAAACTCGACTTTCCTCAGATGTGGTTTCTTTAGTAGATCTCAGTC-3'